The following is an entry in ClinVar:

ClinVar aggregate classification (germline): Likely benign. Review status: criteria provided, multiple submitters, no conflicts (2 of 4 stars). 3 submissions from 3 submitters: Likely benign (3). Last evaluated 2026-04-01.

Conditions:
Emery-Dreifuss muscular dystrophy 5, autosomal dominant (EDMD5). Also called: EMERY-DREIFUSS MUSCULAR DYSTROPHY 5. Identifiers: Orphanet 261, MedGen C2751805, MONDO:0013072, OMIM 612999.

Allele frequency attached by ClinVar (database versions not stated): TOPMed 0.00010; gnomAD exomes 0.00014 and 0.00026; ESP Exome Variant Server 0.00017; gnomAD 0.00021; ExAC 0.00030.
gnomAD v4.1: 246 of 1,614,236 alleles (0.015%); highest among the groups gnomAD compares: East Asian, 0.069%; no homozygotes.

Submissions (3):

CeGaT Center for Human Genetics Tuebingen
Classification: Likely benign. Last evaluated: 2026-04-01. Review status: criteria provided, single submitter. Criteria: CeGaT Center For Human Genetics Tuebingen Variant Classification Criteria Version 2. Collection method: clinical testing. Allele origin: germline. Affected: yes. Observed: 2 variant alleles.
Comment: SYNE2: BP4, BP7

Labcorp Genetics (formerly Invitae), Labcorp
Classification: Likely benign for Emery-Dreifuss muscular dystrophy 5, autosomal dominant. Last evaluated: 2026-01-19. Review status: criteria provided, single submitter. Criteria: Invitae Variant Classification Sherloc (09022015). Collection method: clinical testing. Allele origin: germline.

Blueprint Genetics
Classification: Likely benign. Last evaluated: 2023-08-22. Review status: criteria provided, single submitter. Criteria: ACMG Guidelines, 2015. Collection method: clinical testing. Allele origin: germline.

NM_182914.3(SYNE2):c.10815A>T (p.Ser3605=)

Gene: SYNE2 (spectrin repeat containing nuclear envelope protein 2; plus strand). Cytogenetic location: 14q23.2.
Variant type: single nucleotide variant.
Coding change: c.10815A>T on transcript NM_182914.3 (MANE Select); coding-DNA position 10815, A replaced by T.
Protein change: p.Ser3605=; no amino-acid change (serine 3605 retained).
Molecular consequence: synonymous variant.
Genome position (GRCh38, 1-based): chr14:64,074,085, A>T. VCF-style: chr14-64074085-A-T. GRCh37 (hg19) VCF-style: chr14-64540803-A-T.
Other names: c.10815A>T, p.Ser3605= (NM_015180.6).
Identifiers: ClinVar variation 1093691 (VCV001093691.32), dbSNP rs377396543, ClinGen allele CA7221614.